The following is an entry in ClinVar:

NM_025074.7(FRAS1):c.1982C>T (p.Ala661Val)

Gene: FRAS1 (Fraser extracellular matrix complex subunit 1; plus strand). Cytogenetic location: 4q21.21.
Variant type: single nucleotide variant.
Coding change: c.1982C>T on transcript NM_025074.7 (MANE Select); coding-DNA position 1982, C replaced by T.
Protein change: p.Ala661Val; replaces alanine 661 with valine.
Molecular consequence: missense variant.
Genome position (GRCh38, 1-based): chr4:78,318,831, C>T. VCF-style: chr4-78318831-C-T. GRCh37 (hg19) VCF-style: chr4-79239985-C-T.
Other names: c.1982C>T, p.Ala661Val (NM_001166133.2); short protein forms A661V.
Identifiers: ClinVar variation 1662385 (VCV001662385.12), dbSNP rs115496853, ClinGen allele CA2976524.

ClinVar aggregate classification (germline): Conflicting classifications of pathogenicity. Review status: criteria provided, conflicting classifications (1 of 4 stars). 5 submissions from 5 submitters: Uncertain significance (2); Likely benign (2). 1 of the submissions does not count toward it. Last evaluated 2026-01-18.

Conditions:
FRAS1-related disorder. Also called: FRAS1-related condition.
Inborn genetic diseases. Identifiers: MedGen C0950123, MeSH D030342.

Allele frequency attached by ClinVar (database versions not stated): ExAC 0.00014; gnomAD exomes 0.00015; ESP Exome Variant Server 0.00033; TOPMed 0.00047; gnomAD 0.00055 and 0.00058; 1000 Genomes Project 0.00100; 1000 Genomes Project 30x 0.00109.
gnomAD v4.1: 163 of 1,591,890 alleles (0.01%); highest among the groups gnomAD compares: African/African-American, 0.21%; no homozygotes.

Submissions (5):

Labcorp Genetics (formerly Invitae), Labcorp
Classification: Likely benign. Last evaluated: 2026-01-18. Review status: criteria provided, single submitter. Criteria: Invitae Variant Classification Sherloc (09022015). Collection method: clinical testing. Allele origin: germline.

GeneDx
Classification: Uncertain significance. Last evaluated: 2024-07-16. Review status: criteria provided, single submitter. Criteria: GeneDx Variant Classification Process June 2021. Collection method: clinical testing. Allele origin: germline. Affected: yes.
Comment: In silico analysis indicates that this missense variant does not alter protein structure/function; Has not been previously published as pathogenic or benign to our knowledge

Women's Health and Genetics/Laboratory Corporation of America, LabCorp
Classification: Likely benign. Last evaluated: 2022-06-02. Review status: criteria provided, single submitter. Criteria: LabCorp Variant Classification Summary - May 2015. Collection method: clinical testing. Allele origin: germline.
Comment: Variant summary: FRAS1 c.1982C>T (p.Ala661Val) results in a non-conservative amino acid change in the encoded protein sequence. Four of five in-silico tools predict a benign effect of the variant on protein function. The variant allele was found at a frequency of 0.00015 in 239058 control chromosomes, predominantly at a frequency of 0.0024 within the African or African-American subpopulation in the gnomAD database. The observed variant frequency within African or African-American control individuals in the gnomAD database is approximately 1 fold of the estimated maximal expected allele frequency for a pathogenic variant in FRAS1 causing Cryptophthalmos Syndrome phenotype (0.0018), strongly suggesting that the variant is a benign polymorphism found primarily in populations of African or African-American origin. To our knowledge, no occurrence of c.1982C>T in individuals affected with Cryptophthalmos Syndrome and no experimental evidence demonstrating its impact on protein function have been reported. One clinical diagnostic laboratory has submitted clinical-significance assessments for this variant to ClinVar after 2014 and classified the variant as likely benign. Based on the evidence outlined above, the variant was classified as likely benign.

Ambry Genetics
Classification: Uncertain significance for Inborn genetic diseases. Last evaluated: 2021-09-16. Review status: criteria provided, single submitter. Criteria: Ambry Variant Classification Scheme 2023. Collection method: clinical testing. Allele origin: germline.

PreventionGenetics, part of Exact Sciences
Classification: Likely benign for FRAS1-related condition. Last evaluated: 2023-01-04. Review status: no assertion criteria provided. Collection method: clinical testing. Allele origin: germline. Not counted in ClinVar's aggregate classification.
Comment: This variant is classified as likely benign based on ACMG/AMP sequence variant interpretation guidelines (Richards et al. 2015 PMID: 25741868, with internal and published modifications).